The following is an entry in ClinVar:

ClinVar aggregate classification (germline): Uncertain significance (1 of 4 stars; one submission).

Conditions:
Mitochondrial hypertrophic cardiomyopathy with lactic acidosis due to MTO1 deficiency. Also called: CARDIOMYOPATHY, INFANTILE HYPERTROPHIC MITOCHONDRIAL, AND LACTIC ACIDOSIS; Combined oxidative phosphorylation deficiency 10. Identifiers: Orphanet 314637, MedGen C4749921, MONDO:0013865, OMIM 614702.

gnomAD v4.1: 1 of 1,614,262 alleles (0.000062%); no homozygotes.

Submission:

Baylor Genetics
Classification: Uncertain significance for Mitochondrial hypertrophic cardiomyopathy with lactic acidosis due to MTO1 deficiency. Last evaluated: 2020-07-08. Review status: criteria provided, single submitter. Criteria: ACMG Guidelines, 2015. Collection method: clinical testing. Allele origin: unknown. Affected: yes.
Comment: This variant was determined to be of uncertain significance according to ACMG Guidelines, 2015 [PMID:25741868].

NM_012123.4(MTO1):c.79A>T (p.Ser27Cys)

Gene: MTO1 (mitochondrial tRNA translation optimization 1; plus strand). Cytogenetic location: 6q13.
Variant type: single nucleotide variant.
Coding change: c.79A>T on transcript NM_012123.4 (MANE Select); coding-DNA position 79, A replaced by T.
Protein change: p.Ser27Cys; replaces serine 27 with cysteine.
Molecular consequence: missense variant.
Genome position (GRCh38, 1-based): chr6:73,461,933, A>T. VCF-style: chr6-73461933-A-T. GRCh37 (hg19) VCF-style: chr6-74171656-A-T.
Other names: c.79A>T, p.Ser27Cys (NM_001123226.2, NM_133645.3); short protein forms S27C.
Identifiers: ClinVar variation 1027766 (VCV001027766.1), dbSNP rs1240435216, ClinGen allele CA364711853.